The following is an entry in ClinVar:

NM_005359.6(SMAD4):c.44C>T (p.Ala15Val)

Gene: SMAD4 (SMAD family member 4; plus strand). Cytogenetic location: 18q21.2.
Variant type: single nucleotide variant.
Coding change: c.44C>T on transcript NM_005359.6 (MANE Select); coding-DNA position 44, C replaced by T.
Protein change: p.Ala15Val; replaces alanine 15 with valine.
Molecular consequence: missense variant.
Genome position (GRCh38, 1-based): chr18:51,047,090, C>T. VCF-style: chr18-51047090-C-T. GRCh37 (hg19) VCF-style: chr18-48573460-C-T.
Other names: c.44C>T, p.Ala15Val (NM_001407041.1, NM_001407042.1, NM_001407043.1); short protein forms A15V.
Identifiers: ClinVar variation 2073997 (VCV002073997.6), dbSNP rs2144400485, ClinGen allele CA402457354.

ClinVar aggregate classification (germline): Uncertain significance. Review status: criteria provided, multiple submitters, no conflicts (2 of 4 stars). 2 submissions from 2 submitters: Uncertain significance (2). Last evaluated 2026-08-03.

Conditions:
Juvenile polyposis syndrome (JPS). Identifiers: Orphanet 2929, MedGen C0345893, MONDO:0017380, OMIM 174900.
Hereditary cancer-predisposing syndrome. Also called: Tumor predisposition; Hereditary Cancer Syndrome; Hereditary neoplastic syndrome; Neoplastic Syndromes, Hereditary. Identifiers: Orphanet 140162, MedGen C0027672, MeSH D009386, MONDO:0015356.
Familial thoracic aortic aneurysm and aortic dissection (TAAD). Also called: Thoracic aortic aneurysms and dissections. Identifiers: Orphanet 91387, MedGen C4707243, MONDO:0019625.

Allele frequency attached by ClinVar (database versions not stated): gnomAD exomes below 0.00001.
gnomAD v4.1: 1 of 1,613,480 alleles (0.000062%); highest among the groups gnomAD compares: Non-Finnish European, 0.000085%; no homozygotes.

Submissions (2):

Ambry Genetics
Classification: Uncertain significance for Hereditary cancer-predisposing syndrome; Familial thoracic aortic aneurysm and aortic dissection. Last evaluated: 2026-08-03. Review status: criteria provided, single submitter. Criteria: Ambry Variant Classification Scheme 2023. Collection method: clinical testing. Allele origin: germline.
Comment: The p.A15V variant (also known as c.44C>T), located in coding exon 1 of the SMAD4 gene, results from a C to T substitution at nucleotide position 44. The alanine at codon 15 is replaced by valine, an amino acid with similar properties. This amino acid position is highly conserved in available vertebrate species. In addition, this alteration is predicted to be deleterious by in silico analysis. Based on the available evidence, the clinical significance of this variant remains unclear.

Labcorp Genetics (formerly Invitae), Labcorp
Classification: Uncertain significance for Juvenile polyposis syndrome. Last evaluated: 2022-05-04. Review status: criteria provided, single submitter. Criteria: Invitae Variant Classification Sherloc (09022015). Collection method: clinical testing. Allele origin: germline.
Comment: In summary, the available evidence is currently insufficient to determine the role of this variant in disease. Therefore, it has been classified as a Variant of Uncertain Significance. Algorithms developed to predict the effect of missense changes on protein structure and function (SIFT, PolyPhen-2, Align-GVGD) all suggest that this variant is likely to be tolerated. This variant has not been reported in the literature in individuals affected with SMAD4-related conditions. This variant is not present in population databases (gnomAD no frequency). This sequence change replaces alanine, which is neutral and non-polar, with valine, which is neutral and non-polar, at codon 15 of the SMAD4 protein (p.Ala15Val).